The following is an entry in ClinVar:

ClinVar aggregate classification (germline): Uncertain significance (1 of 4 stars; one submission).

Submission:

GeneDx
Classification: Uncertain significance. Last evaluated: 2025-04-25. Review status: criteria provided, single submitter. Criteria: GeneDx Variant Classification Process June 2021. Collection method: clinical testing. Allele origin: germline. Affected: yes.
Comment: Not observed at significant frequency in large population cohorts (gnomAD); In silico analysis supports that this missense variant has a deleterious effect on protein structure/function; Has not been previously published as pathogenic or benign to our knowledge

NM_001037333.3(CYFIP2):c.970C>T (p.His324Tyr)

Gene: CYFIP2 (cytoplasmic FMR1 interacting protein 2; plus strand). Cytogenetic location: 5q33.3.
Variant type: single nucleotide variant.
Coding change: c.970C>T on transcript NM_001037333.3 (MANE Select); coding-DNA position 970, C replaced by T.
Protein change: p.His324Tyr; replaces histidine 324 with tyrosine.
Molecular consequence: missense variant.
Genome position (GRCh38, 1-based): chr5:157,309,812, C>T. VCF-style: chr5-157309812-C-T. GRCh37 (hg19) VCF-style: chr5-156736820-C-T.
Other names: c.892C>T, p.His298Tyr (NM_001291721.2); c.970C>T, p.His324Tyr (NM_001291722.2, NM_014376.4); short protein forms H298Y, H324Y.
Identifiers: ClinVar variation 4527197 (VCV004527197.1).
Genomic context (GRCh38, chr5:157,309,812, plus strand): 5'-GTGGTGCCCCTTTTCGGCGACATGCAGATAGAGCTGGCCAGATACATTAAGACCAGTGCT[C>T]ACTATGAAGAGAACAAGTCCAAGTGAGTGCCTGCCGTAATGTCTCTCGGCTCCCGCAAGG-3'
Protein context (NP_001032410.1, residues 314-334): ELARYIKTSA[His324Tyr]YEENKSKWTC